The following is an entry in ClinVar:

ClinVar aggregate classification (germline): Uncertain significance (1 of 4 stars; one submission).

Conditions:
Cryopyrin associated periodic syndrome (CAPS). Identifiers: Orphanet 208650, MedGen C2316212, MONDO:0016168.

Submission:

Labcorp Genetics (formerly Invitae), Labcorp
Classification: Uncertain significance for Cryopyrin associated periodic syndrome. Last evaluated: 2020-12-28. Review status: criteria provided, single submitter. Criteria: Invitae Variant Classification Sherloc (09022015). Collection method: clinical testing. Allele origin: germline.
Comment: Algorithms developed to predict the effect of missense changes on protein structure and function output the following: SIFT: "Tolerated"; PolyPhen-2: "Benign"; Align-GVGD: "Class C0". The arginine amino acid residue is found in multiple mammalian species, suggesting that this missense change does not adversely affect protein function. These predictions have not been confirmed by published functional studies and their clinical significance is uncertain. This variant has not been reported in the literature in individuals with NLRP3-related conditions. This variant is not present in population databases (ExAC no frequency). This sequence change replaces lysine with arginine at codon 142 of the NLRP3 protein (p.Lys142Arg). The lysine residue is moderately conserved and there is a small physicochemical difference between lysine and arginine. Algorithms developed to predict the effect of sequence changes on RNA splicing suggest that this variant may create or strengthen a splice site, but this prediction has not been confirmed by published transcriptional studies. In summary, the available evidence is currently insufficient to determine the role of this variant in disease. Therefore, it has been classified as a Variant of Uncertain Significance.

NM_001243133.2(NLRP3):c.419A>G (p.Lys140Arg)

Gene: NLRP3 (NLR family pyrin domain containing 3; plus strand). Cytogenetic location: 1q44.
Variant type: single nucleotide variant.
Coding change: c.419A>G on transcript NM_001243133.2 (MANE Select); coding-DNA position 419, A replaced by G.
Protein change: p.Lys140Arg; replaces lysine 140 with arginine.
Molecular consequence: missense variant.
Genome position (GRCh38, 1-based): chr1:247,423,868, A>G. VCF-style: chr1-247423868-A-G. GRCh37 (hg19) VCF-style: chr1-247587170-A-G.
Other names: c.419A>G, p.Lys140Arg (NM_001079821.3, NM_001127461.3, NM_001127462.3 and 1 more transcripts); c.425A>G, p.Lys142Arg (NM_004895.5); short protein forms K142R, K140R.
Identifiers: ClinVar variation 1473370 (VCV001473370.8), dbSNP rs2103105213, ClinGen allele CA345554623.